The following is an entry in ClinVar:

ClinVar aggregate classification (germline): Uncertain significance (1 of 4 stars; one submission).

gnomAD v4.1: 1 of 1,613,554 alleles (0.000062%); highest among the groups gnomAD compares: Non-Finnish European, 0.000085%; no homozygotes.

Submission:

Labcorp Genetics (formerly Invitae), Labcorp
Classification: Uncertain significance. Last evaluated: 2025-06-16. Review status: criteria provided, single submitter. Criteria: Invitae Variant Classification Sherloc (09022015). Collection method: clinical testing. Allele origin: germline.
Comment: This sequence change replaces isoleucine, which is neutral and non-polar, with threonine, which is neutral and polar, at codon 110 of the MTTP protein (p.Ile110Thr). This variant is not present in population databases (gnomAD no frequency). This variant has not been reported in the literature in individuals affected with MTTP-related conditions. Invitae Evidence Modeling of protein sequence and biophysical properties (such as structural, functional, and spatial information, amino acid conservation, physicochemical variation, residue mobility, and thermodynamic stability) indicates that this missense variant is not expected to disrupt MTTP protein function with a negative predictive value of 80%. In summary, the available evidence is currently insufficient to determine the role of this variant in disease. Therefore, it has been classified as a Variant of Uncertain Significance.

NM_001386140.1(MTTP):c.329T>C (p.Ile110Thr)

Gene: MTTP (microsomal triglyceride transfer protein; plus strand). Cytogenetic location: 4q23.
Variant type: single nucleotide variant.
Coding change: c.329T>C on transcript NM_001386140.1 (MANE Select); coding-DNA position 329, T replaced by C.
Protein change: p.Ile110Thr; replaces isoleucine 110 with threonine.
Molecular consequence: missense variant.
Genome position (GRCh38, 1-based): chr4:99,583,453, T>C. VCF-style: chr4-99583453-T-C. GRCh37 (hg19) VCF-style: chr4-100504610-T-C.
Other names: c.329T>C, p.Ile110Thr (NM_000253.4); c.80T>C, p.Ile27Thr (NM_001300785.2); short protein forms I110T, I27T.
Identifiers: ClinVar variation 4702681 (VCV004702681.1).